The following is an entry in ClinVar:

NM_018129.4(PNPO):c.*1151C>T

Gene: PNPO (pyridoxamine 5'-phosphate oxidase; plus strand). Cytogenetic location: 17q21.32.
Variant type: single nucleotide variant.
Coding change: c.*1151C>T on transcript NM_018129.4 (MANE Select); 1151 bases downstream of the stop codon, C replaced by T.
Molecular consequence: 3 prime UTR variant.
Genome position (GRCh38, 1-based): chr17:47,947,933, C>T. VCF-style: chr17-47947933-C-T. GRCh37 (hg19) VCF-style: chr17-46025299-C-T.
Identifiers: ClinVar variation 323932 (VCV000323932.5), dbSNP rs145323612, ClinGen allele CA10639996.

ClinVar aggregate classification (germline): Likely benign (1 of 4 stars; one submission).

Conditions:
Pyridoxal phosphate-responsive seizures (PNPOD). Also called: Pyridoxal 5'-Phosphate (PLP)-Dependent Epilepsy; EPILEPTIC ENCEPHALOPATHY, NEONATAL, PNPO-RELATED; Pyridoxamine 5-Prime-Phosphate Oxidase Deficiency; Pyridoxine-5'-phosphate oxidase deficiency; SEIZURES, PYRIDOXINE-RESISTANT, PLP-SENSITIVE. Identifiers: Orphanet 79096, MedGen C1864723, MONDO:0012407, OMIM 610090. Disease mechanism: loss of function.

Allele frequency attached by ClinVar (database versions not stated): 1000 Genomes Project 0.00439; 1000 Genomes Project 30x 0.00453; gnomAD 0.00514 and 0.00560; TOPMed 0.00541.

Submission:

Illumina Laboratory Services, Illumina
Classification: Likely benign for Pyridoxal phosphate-responsive seizures. Last evaluated: 2018-01-12. Review status: criteria provided, single submitter. Criteria: ICSL Variant Classification Criteria 13 December 2019. Collection method: clinical testing. Allele origin: germline.
Comment: This variant was observed in the ICSL laboratory as part of a predisposition screen in an ostensibly healthy population. It had not been previously curated by ICSL or reported in the Human Gene Mutation Database (HGMD: prior to June 1st, 2018), and was therefore a candidate for classification through an automated scoring system. Utilizing variant allele frequency, disease prevalence and penetrance estimates, and inheritance mode, an automated score was calculated to assess if this variant is too frequent to cause the disease. Based on the score and internal cut-off values, a variant classified as likely benign is not then subjected to further curation. The score for this variant resulted in a classification of likely benign for this disease.